The following is an entry in ClinVar:

ClinVar aggregate classification (germline): Likely benign (1 of 4 stars; one submission).

Allele frequency attached by ClinVar (database versions not stated): gnomAD exomes 0.00028; 1000 Genomes Project 30x 0.00031; ESP Exome Variant Server 0.00031; 1000 Genomes Project 0.00040; gnomAD 0.00040; ExAC 0.00044; TOPMed 0.00068.
gnomAD v4.1: 468 of 1,576,780 alleles (0.03%); highest among the groups gnomAD compares: Admixed American, 0.12%; 1 homozygote.

Submission:

CeGaT Center for Human Genetics Tuebingen
Classification: Likely benign. Last evaluated: 2022-07-01. Review status: criteria provided, single submitter. Criteria: CeGaT Center For Human Genetics Tuebingen Variant Classification Criteria Version 2. Collection method: clinical testing. Allele origin: germline. Affected: yes. Observed: 1 variant allele.
Comment: TPSG1: BP4, BP7

NM_012467.4(TPSG1):c.45C>T (p.Pro15=)

Gene: TPSG1 (tryptase gamma 1; minus strand). Cytogenetic location: 16p13.3.
Variant type: single nucleotide variant.
Coding change: c.45C>T on transcript NM_012467.4 (MANE Select); coding-DNA position 45, C replaced by T.
Protein change: p.Pro15=; no amino-acid change (proline 15 retained).
Molecular consequence: synonymous variant.
Genome position (GRCh38, 1-based): chr16:1,225,208, G>A on the plus strand (C>T on the coding strand, the complement: TPSG1 is on the minus strand). VCF-style: chr16-1225208-G-A. GRCh37 (hg19) VCF-style: chr16-1275208-G-A.
Identifiers: ClinVar variation 2645883 (VCV002645883.24), dbSNP rs200447029, ClinGen allele CA7803153.